The following is an entry in ClinVar:

NM_000719.7(CACNA1C):c.2853+186T>C

Gene: CACNA1C (calcium voltage-gated channel subunit alpha1 C; plus strand). Cytogenetic location: 12p13.33.
Variant type: single nucleotide variant.
Coding change: c.2853+186T>C on transcript NM_000719.7 (MANE Select); 186 bases into the intron after coding-DNA position 2853, T replaced by C.
Molecular consequence: intron variant. On other transcripts: synonymous variant (11).
Genome position (GRCh38, 1-based): chr12:2,597,475, T>C. VCF-style: chr12-2597475-T-C. GRCh37 (hg19) VCF-style: chr12-2706641-T-C.
Other names: c.2892T>C, p.Phe964= (NM_001129827.2, NM_001129832.2, NM_199460.4); c.2832T>C, p.Phe944= (NM_001129830.3, NM_001129835.2, NM_001129836.2 and 5 more transcripts); c.2853+186T>C (NM_001167624.3, NM_001167623.2, NM_001167625.2 and 7 more transcripts); c.2844+186T>C (NM_001129844.2).
Identifiers: ClinVar variation 1934755 (VCV001934755.5), dbSNP rs372763350, ClinGen allele CA6389078.
Genomic context (GRCh38, chr12:2,597,475, plus strand): 5'-TCCAATTATGCTTATTTTTCAGATCCTAGGCAATGCAGACTATGTCTTCACTAGTATCTT[T>C]ACATTAGAAATTATCCTTAAGGTAATGCAACCTGGGCAATGCATCCTCTGTCGCTTTCTT-3'

ClinVar aggregate classification (germline): Uncertain significance (1 of 4 stars; one submission).

Conditions:
Long QT syndrome (LQTS). Identifiers: MedGen C0023976, MeSH D008133, MONDO:0002442. Disease mechanism: loss of function. Inheritance: Various modes of inheritance.

Allele frequency attached by ClinVar (database versions not stated): gnomAD exomes below 0.00001; ExAC 0.00001; gnomAD 0.00001; TOPMed 0.00003; ESP Exome Variant Server 0.00010.
gnomAD v4.1: 6 of 1,607,956 alleles (0.00037%); highest among the groups gnomAD compares: African/African-American, 0.004%; no homozygotes.

Submission:

Labcorp Genetics (formerly Invitae), Labcorp
Classification: Uncertain significance for Long QT syndrome. Last evaluated: 2025-09-15. Review status: criteria provided, single submitter. Criteria: Invitae Variant Classification Sherloc (09022015). Collection method: clinical testing. Allele origin: germline.
Comment: The CACNA1C gene has multiple clinically relevant transcripts. This variant occurs in alternate transcript NM_001129840.1, and corresponds to NM_000719.6:c.2853+186T>C in the primary transcript. This sequence change affects codon 944 of the CACNA1C mRNA. It is a 'silent' change, meaning that it does not change the encoded amino acid sequence of the CACNA1C protein. This variant is not present in population databases (gnomAD no frequency). This variant has not been reported in the literature in individuals affected with CACNA1C-related conditions. ClinVar contains an entry for this variant (Variation ID: 1934755). Algorithms developed to predict the effect of sequence changes on RNA splicing suggest that this variant may create or strengthen a splice site. In summary, the available evidence is currently insufficient to determine the role of this variant in disease. Therefore, it has been classified as a Variant of Uncertain Significance.